The following is an entry in ClinVar:

ClinVar aggregate classification (germline): Uncertain significance (1 of 4 stars; one submission).

Conditions:
Autosomal recessive limb-girdle muscular dystrophy type 2P. Also called: MUSCULAR DYSTROPHY-DYSTROGLYCANOPATHY, LIMB-GIRDLE, DAG1-RELATED; Limb-Girdle Muscular Dystrophy Type 9C; MUSCULAR DYSTROPHY, LIMB-GIRDLE, TYPE 2P. Identifiers: Orphanet 280333, MedGen C4511963, MONDO:0013440, OMIM 613818.
Muscular dystrophy-dystroglycanopathy (congenital with brain and eye anomalies), type A9. Also called: WALKER-WARBURG SYNDROME OR MUSCLE-EYE BRAIN DISEASE, DAG1-RELATED; Muscular dystrophy-dystroglycanopathy (congenital with brain and eye anomalies), type a, 9. Identifiers: Orphanet 370997, Orphanet 899, MedGen C4225291, MONDO:0014683, OMIM 616538.

Allele frequency attached by ClinVar (database versions not stated): gnomAD exomes 0.00001.
gnomAD v4.1: 6 of 1,614,108 alleles (0.00037%); highest among the groups gnomAD compares: Non-Finnish European, 0.00051%; no homozygotes.

Submission:

Labcorp Genetics (formerly Invitae), Labcorp
Classification: Uncertain significance for Autosomal recessive limb-girdle muscular dystrophy type 2P; Muscular dystrophy-dystroglycanopathy (congenital with brain and eye anomalies), type A9. Last evaluated: 2022-08-09. Review status: criteria provided, single submitter. Criteria: Invitae Variant Classification Sherloc (09022015). Collection method: clinical testing. Allele origin: germline.
Comment: In summary, the available evidence is currently insufficient to determine the role of this variant in disease. Therefore, it has been classified as a Variant of Uncertain Significance. Algorithms developed to predict the effect of missense changes on protein structure and function (SIFT, PolyPhen-2, Align-GVGD) all suggest that this variant is likely to be tolerated. ClinVar contains an entry for this variant (Variation ID: 946533). This variant has not been reported in the literature in individuals affected with DAG1-related conditions. This variant is not present in population databases (gnomAD no frequency). This sequence change replaces proline, which is neutral and non-polar, with leucine, which is neutral and non-polar, at codon 408 of the DAG1 protein (p.Pro408Leu).

NM_004393.6(DAG1):c.1223C>T (p.Pro408Leu)

Gene: DAG1 (dystroglycan 1; plus strand). Cytogenetic location: 3p21.31.
Variant type: single nucleotide variant.
Coding change: c.1223C>T on transcript NM_004393.6 (MANE Select); coding-DNA position 1223, C replaced by T.
Protein change: p.Pro408Leu; replaces proline 408 with leucine.
Molecular consequence: missense variant.
Genome position (GRCh38, 1-based): chr3:49,531,734, C>T. VCF-style: chr3-49531734-C-T. GRCh37 (hg19) VCF-style: chr3-49569167-C-T.
Other names: c.1223C>T, p.Pro408Leu (NM_001165928.4, NM_001177634.3, NM_001177635.3 and 9 more transcripts); short protein forms P408L.
Identifiers: ClinVar variation 946533 (VCV000946533.7), dbSNP rs2051353290, ClinGen allele CA352794967.
Genomic context (GRCh38, chr3:49,531,734, plus strand): 5'-CTCGGGTGTCAGAAGCTGGCACCACAGTTCCTGGCCAGATTCGCCCAACGATGACCATTC[C>T]TGGCTATGTGGAGCCTACTGCAGTTGCTACCCCTCCCACAACCACCACCAAGAAGCCACG-3'
Protein context (NP_004384.5, residues 398-418): PGQIRPTMTI[Pro408Leu]GYVEPTAVAT